The following is an entry in ClinVar:

ClinVar aggregate classification (germline): Uncertain significance (1 of 4 stars; one submission).

Allele frequency attached by ClinVar (database versions not stated): gnomAD exomes below 0.00001; TOPMed below 0.00001; ExAC 0.00002.

Submission:

Labcorp Genetics (formerly Invitae), Labcorp
Classification: Uncertain significance. Last evaluated: 2022-06-08. Review status: criteria provided, single submitter. Criteria: Invitae Variant Classification Sherloc (09022015). Collection method: clinical testing. Allele origin: germline.
Comment: This sequence change replaces lysine, which is basic and polar, with arginine, which is basic and polar, at codon 99 of the GUCA1B protein (p.Lys99Arg). This variant is present in population databases (rs773526960, gnomAD 0.003%). This variant has not been reported in the literature in individuals affected with GUCA1B-related conditions. Algorithms developed to predict the effect of missense changes on protein structure and function output the following: SIFT: "Tolerated"; PolyPhen-2: "Probably Damaging"; Align-GVGD: "Class C0". The arginine amino acid residue is found in multiple mammalian species, which suggests that this missense change does not adversely affect protein function. In summary, the available evidence is currently insufficient to determine the role of this variant in disease. Therefore, it has been classified as a Variant of Uncertain Significance.

NM_002098.6(GUCA1B):c.296A>G (p.Lys99Arg)

Gene: GUCA1B (guanylate cyclase activator 1B; minus strand). Cytogenetic location: 6p21.1.
Variant type: single nucleotide variant.
Coding change: c.296A>G on transcript NM_002098.6 (MANE Select); coding-DNA position 296, A replaced by G.
Protein change: p.Lys99Arg; replaces lysine 99 with arginine.
Molecular consequence: missense variant.
Genome position (GRCh38, 1-based): chr6:42,188,643, T>C on the plus strand (A>G on the coding strand, the complement: GUCA1B is on the minus strand). VCF-style: chr6-42188643-T-C. GRCh37 (hg19) VCF-style: chr6-42156381-T-C.
Other names: short protein forms K99R.
Identifiers: ClinVar variation 1957042 (VCV001957042.5), dbSNP rs773526960, ClinGen allele CA3805603.